The following is an entry in ClinVar:

ClinVar aggregate classification (germline): Benign. Review status: criteria provided, multiple submitters, no conflicts (2 of 4 stars). 4 submissions from 4 submitters: Benign (2). 2 of the submissions do not count toward it. Last evaluated 2019-05-28.

Conditions:
Heterotaxy, visceral, 2, autosomal (HTX2). Identifiers: Orphanet 450, MedGen C1415817, MONDO:0011546, OMIM 605376.

Submissions (4):

Mendelics
Classification: Benign for Heterotaxy, visceral, 2, autosomal. Last evaluated: 2019-05-28. Review status: criteria provided, single submitter. Criteria: Mendelics Assertion Criteria 2017. Collection method: clinical testing. Allele origin: unknown.

GeneDx
Classification: Benign. Last evaluated: 2012-12-18. Review status: criteria provided, single submitter. Criteria: GeneDx Variant Classification (06012015). Collection method: clinical testing. Allele origin: germline. Affected: yes.
Comment: This variant is considered likely benign or benign based on one or more of the following criteria: it is a conservative change, it occurs at a poorly conserved position in the protein, it is predicted to be benign by multiple in silico algorithms, and/or has population frequency not consistent with disease.

Clinical Genetics DNA and cytogenetics Diagnostics Lab, Erasmus MC, Erasmus Medical Center
Classification: Benign. Review status: no assertion criteria provided. Collection method: clinical testing. Allele origin: germline. Affected: yes. Study: VKGL Data-share Consensus. Not counted in ClinVar's aggregate classification.

Joint Genome Diagnostic Labs from Nijmegen and Maastricht, Radboudumc and MUMC+
Classification: Benign. Review status: no assertion criteria provided. Collection method: clinical testing. Allele origin: germline. Affected: yes. Study: VKGL Data-share Consensus. Not counted in ClinVar's aggregate classification.

NM_032545.4(CFC1):c.433G>A (p.Ala145Thr)

Gene: CFC1 (cryptic, EGF-CFC family member 1; minus strand). Cytogenetic location: 2q21.1.
Variant type: single nucleotide variant.
Coding change: c.433G>A on transcript NM_032545.4 (MANE Select); coding-DNA position 433, G replaced by A.
Protein change: p.Ala145Thr; replaces alanine 145 with threonine.
Molecular consequence: missense variant. On other transcripts: synonymous variant (1), intron variant (1).
Genome position (GRCh38, 1-based): chr2:130,597,533, C>T on the plus strand (G>A on the coding strand, the complement: CFC1 is on the minus strand). VCF-style: chr2-130597533-C-T. GRCh37 (hg19) VCF-style: chr2-131355106-C-T.
Other names: p.A145T:GCC>ACC; c.318G>A, p.Gly106= (NM_001270420.2); c.247+1109G>A (NM_001270421.2); short protein forms A145T.
Identifiers: ClinVar variation 136735 (VCV000136735.5), dbSNP rs199715380, ClinGen allele CA290051.